The following is an entry in ClinVar:

GRCh38/hg38 16p13.12(chr16:13845119-14665911)x3

Genes: BFAR (bifunctional apoptosis regulator; plus strand), ERCC4 (ERCC excision repair 4, endonuclease catalytic subunit; plus strand), LINC02130 (long independently transcribed non-coding RNA 2130; minus strand), LINC02185 (long independently transcribed non-coding RNA 2185; minus strand), LINC02186 (long independently transcribed non-coding RNA 2186; minus strand) and 34 more. Cytogenetic location: 16p13.12.
Variant type: copy number gain.
Change: copy number 3 (three copies instead of two) of chr16:13,845,119-14,665,911 (820.8 kb, GRCh38 coordinates, 1-based), cytogenetic band 16p13.12.
Identifiers: ClinVar variation 4890936 (VCV004890936.1).

ClinVar aggregate classification (germline): Uncertain significance (1 of 4 stars; one submission).

Submission:

Clinical Genomics Laboratory, Laboratory for Precision Diagnostics, University of Washington
Classification: Uncertain significance. Last evaluated: 2023-06-08. Review status: criteria provided, single submitter. Criteria: ACMG/ClinGen CNV Guidelines, 2019. Collection method: clinical testing. Allele origin: unknown. Affected: yes. Observed: 1 variant allele.
Comment: This interstitial duplication is approximately 820 kb in size and affects 4 protein-coding genes. None of the genes in this region are known to cause medical problems in humans when an extra copy is present (triplosensitivity), and this is not a known triplosensitive genomic region. However, CMA cannot distinguish tandem duplications from an insertion elsewhere in the genome with potential for pathogenic disruption of genes at the insertion site. The proximal breakpoint of the duplication may lie within BFAR, a gene not known to cause health problems in humans. It is unknown whether this duplication would disrupt BFAR or affect its expression. The classification of this duplication is uncertain, per ACMGG interpretation standards. It affects four protein-coding elements but doesn’t overlap any known dosage sensitive genes or regions. A review of public databases and the medical literature shows one similar duplication in ClinVar, classified as a variant of uncertain significance by Invitae on 1/9/21. No phenotype or inheritance information was included. No similar duplications appear in the Database of Genomic Variants (DGV) or gnomAD.